The following is an entry in ClinVar:

ClinVar aggregate classification (germline): Uncertain significance (1 of 4 stars; one submission).

gnomAD v4.1: 2 of 1,612,882 alleles (0.00012%); highest among the groups gnomAD compares: South Asian, 0.0022%; no homozygotes.

Submission:

GeneDx
Classification: Uncertain significance. Last evaluated: 2024-06-12. Review status: criteria provided, single submitter. Criteria: GeneDx Variant Classification Process June 2021. Collection method: clinical testing. Allele origin: germline. Affected: yes.
Comment: Not observed at significant frequency in large population cohorts (gnomAD); In silico analysis supports that this missense variant has a deleterious effect on protein structure/function; Has not been previously published as pathogenic or benign to our knowledge

NM_001923.5(DDB1):c.680G>A (p.Gly227Glu)

Gene: DDB1 (damage specific DNA binding protein 1; minus strand). Cytogenetic location: 11q12.2.
Variant type: single nucleotide variant.
Coding change: c.680G>A on transcript NM_001923.5 (MANE Select); coding-DNA position 680, G replaced by A.
Protein change: p.Gly227Glu; replaces glycine 227 with glutamic acid.
Molecular consequence: missense variant.
Genome position (GRCh38, 1-based): chr11:61,325,693, C>T on the plus strand (G>A on the coding strand, the complement: DDB1 is on the minus strand). VCF-style: chr11-61325693-C-T. GRCh37 (hg19) VCF-style: chr11-61093165-C-T.
Other names: short protein forms G227E.
Identifiers: ClinVar variation 3390491 (VCV003390491.1).